The following is an entry in ClinVar:

NM_001267550.2(TTN):c.65782C>T (p.Arg21928Trp)

Genes: TTN (titin; minus strand), TTN-AS1 (TTN antisense RNA 1; plus strand). Cytogenetic location: 2q31.2.
Variant type: single nucleotide variant.
Coding change: c.65782C>T on transcript NM_001267550.2 (MANE Select); coding-DNA position 65782, C replaced by T.
Protein change: p.Arg21928Trp; replaces arginine 21928 with tryptophan.
Molecular consequence: missense variant. On other transcripts: non-coding transcript variant (1).
Genome position (GRCh38, 1-based): chr2:178,583,021, G>A on the plus strand (C>T on the coding strand, the complement: TTN is on the minus strand). VCF-style: chr2-178583021-G-A. GRCh37 (hg19) VCF-style: chr2-179447748-G-A.
Other names: p.R20287W:CGG>TGG; c.65782C>T (NM_001267550.1); c.38587C>T, p.Arg12863Trp (NM_003319.4); c.38962C>T, p.Arg12988Trp (NM_133432.3); c.39163C>T, p.Arg13055Trp (NM_133437.4); c.60859C>T, p.Arg20287Trp (NM_001256850.1); c.58078C>T, p.Arg19360Trp (NM_133378.4); short protein forms R20287W, R21928W, R19360W, R12863W, R12988W, R13055W.
Identifiers: ClinVar variation 202797 (VCV000202797.30), dbSNP rs371856109, ClinGen allele CA310319.

ClinVar aggregate classification (germline): Uncertain significance. Review status: criteria provided, multiple submitters, no conflicts (2 of 4 stars). 13 submissions from 13 submitters: Uncertain significance (13). Last evaluated 2025-11-25.

Conditions:
TTN-related disorder. Also called: TTN-related condition; TTN-related disease; TTN-related disorders.
Cardiovascular phenotype. Identifiers: MedGen CN230736.
Dilated cardiomyopathy 1G (CMD1G). Identifiers: Orphanet 154, MedGen C1858763, MONDO:0011400, OMIM 604145.
Autosomal recessive limb-girdle muscular dystrophy type 2J (LGMDR10). Also called: Limb-girdle muscular dystrophy, type 2J; MUSCULAR DYSTROPHY, LIMB-GIRDLE, AUTOSOMAL RECESSIVE 10. Identifiers: Orphanet 140922, MedGen C1837342, MONDO:0012127, OMIM 608807.
Cardiomyopathy (CMYO). Also called: Cardiomyopathies. Identifiers: Orphanet 167848, MedGen C0878544, MONDO:0004994, HP:0001638. Inheritance: Various modes of inheritance.

Allele frequency attached by ClinVar (database versions not stated): ExAC 0.00003; gnomAD 0.00004; TOPMed 0.00004; gnomAD exomes 0.00005 and 0.00007; ESP Exome Variant Server 0.00016.
gnomAD v4.1: 109 of 1,606,816 alleles (0.0068%); highest among the groups gnomAD compares: Admixed American, 0.0084%; 1 homozygote.

Submissions (13):

PreventionGenetics, part of Exact Sciences
Classification: Uncertain significance for TTN-related condition. Last evaluated: 2025-11-25. Review status: criteria provided, single submitter. Criteria: ACMG Guidelines, 2015. Collection method: clinical testing. Allele origin: germline.
Comment: The TTN c.65782C>T variant is predicted to result in the amino acid substitution p.Arg21928Trp. This variant has been reported in an individual with dilated cardiomyopathy (Table S3, Mazzarotto et al. 2020. PubMed ID: 31983221). This variant is reported in 0.012% of alleles in individuals of African descent in gnomAD. At this time, the clinical significance of this variant is uncertain due to the absence of conclusive functional and genetic evidence.

Women's Health and Genetics/Laboratory Corporation of America, LabCorp
Classification: Uncertain significance. Last evaluated: 2025-02-03. Review status: criteria provided, single submitter. Criteria: LabCorp Variant Classification Summary - May 2015. Collection method: clinical testing. Allele origin: germline.
Comment: Variant summary: TTN c.58078C>T (p.Arg19360Trp) results in a non-conservative amino acid change in the encoded protein sequence. Three of four in-silico tools predict a damaging effect of the variant on protein function. The variant allele was found at a frequency of 5.3e-05 in 245500 control chromosomes in the gnomAD database, including 1 homozygote. This frequency is not significantly higher than estimated for a pathogenic variant in TTN causing Dilated Cardiomyopathy (5.3e-05 vs 0.00039), allowing no conclusion about variant significance. c.58078C>T has been reported in the literature in at least one individual affected with Dilated Cardiomyopathy without evidence of causality (e.g. Mazzarotto_2020) . These report(s) do not provide unequivocal conclusions about association of the variant with Dilated Cardiomyopathy. To our knowledge, no experimental evidence demonstrating an impact on protein function has been reported. The following publication has been ascertained in the context of this evaluation (PMID: 31983221). ClinVar contains an entry for this variant (Variation ID: 202797). Based on the evidence outlined above, the variant was classified as uncertain significance.

ARUP Laboratories, Molecular Genetics and Genomics, ARUP Laboratories
Classification: Uncertain significance. Last evaluated: 2025-01-17. Review status: criteria provided, single submitter. Criteria: ARUP Molecular Germline Variant Investigation Process 2024. Collection method: clinical testing. Allele origin: germline.
Comment: The TTN c.65782C>T; p.Arg21928Trp variant (rs371856109; ClinVar Variation ID: 202797) is rare in the general population (<0.2% allele frequency in the Genome Aggregation Database) and has been reported in the literature an individual with dilated cardiomyopathy (DCM, Mazzarotto 2020). The clinical relevance of rare missense variants in this gene, which are identified on average once per individual sequenced in affected populations (Herman 2012), is not well understood. Yet, evidence suggests that the vast majority of such missense variants do not contribute to the clinical outcome of DCM (Begay 2015). Thus, the clinical significance of the p.Arg21928Trp variant cannot be determined with certainty References: Begay RL et al. Role of Titin Missense Variants in Dilated Cardiomyopathy. J Am Heart Assoc. 2015 Nov 13;4(11). PMID: 26567375. Herman DS et al. Truncations of titin causing dilated cardiomyopathy. N Engl J Med. 2012 Feb 16;366(7):619-28. PMID: 22335739. Mazzarotto F et al. Reevaluating the Genetic Contribution of Monogenic Dilated Cardiomyopathy. Circulation. 2020 Feb 4;141(5):387-398. PMID: 31983221.

Blueprint Genetics
Classification: Uncertain significance. Last evaluated: 2024-05-13. Review status: criteria provided, single submitter. Criteria: ACMG Guidelines, 2015. Collection method: clinical testing. Allele origin: germline.

Athena Diagnostics
Classification: Uncertain significance. Last evaluated: 2023-01-04. Review status: criteria provided, single submitter. Criteria: Athena Diagnostics Criteria. Collection method: clinical testing. Allele origin: unknown.
Comment: Available data are insufficient to determine the clinical significance of the variant at this time. The frequency of this variant in the general population is uninformative in assessment of its pathogenicity. Computational tools disagree on the variant's effect on normal protein function.

Revvity Omics, Revvity
Classification: Uncertain significance. Last evaluated: 2021-04-22. Review status: criteria provided, single submitter. Criteria: ACMG Guidelines, 2015. Collection method: clinical testing. Allele origin: germline.

Ambry Genetics
Classification: Uncertain significance for Cardiovascular phenotype. Last evaluated: 2020-05-06. Review status: criteria provided, single submitter. Criteria: Ambry Variant Classification Scheme 2023. Collection method: clinical testing. Allele origin: germline.
Comment: The p.R12863W variant (also known as c.38587C>T), located in coding exon 140 of the TTN gene, results from a C to T substitution at nucleotide position 38587. The arginine at codon 12863 is replaced by tryptophan, an amino acid with dissimilar properties. This amino acid position is highly conserved in available vertebrate species. In addition, this alteration is predicted to be tolerated by in silico analysis. Since supporting evidence is limited at this time, the clinical significance of this alteration remains unclear.

Mayo Clinic Laboratories, Mayo Clinic
Classification: Uncertain significance. Last evaluated: 2019-08-26. Review status: criteria provided, single submitter. Criteria: ACMG Guidelines, 2015. Collection method: clinical testing. Allele origin: germline. Observed: 1 variant allele.

Eurofins Ntd Llc (ga)
Classification: Uncertain significance. Last evaluated: 2018-06-13. Review status: criteria provided, single submitter. Criteria: EGL ClinVar v180209 classification definitions. Collection method: clinical testing. Allele origin: germline. Observed: 1 variant allele, 1 heterozygote.

Labcorp Genetics (formerly Invitae), Labcorp
Classification: Uncertain significance for Dilated cardiomyopathy 1G; Autosomal recessive limb-girdle muscular dystrophy type 2J. Last evaluated: 2017-04-11. Review status: criteria provided, single submitter. Criteria: Invitae Variant Classification Sherloc (09022015). Collection method: clinical testing. Allele origin: germline.

GeneDx
Classification: Uncertain significance. Last evaluated: 2017-01-27. Review status: criteria provided, single submitter. Criteria: GeneDx Variant Classification (06012015). Collection method: clinical testing. Allele origin: germline. Affected: yes.
Comment: Missense variants in the TTN gene are considered 'unclassified' if they are not previously reported in the literature and do not have >1% frequency in the population to be considered a polymorphism. Research indicates that truncating mutations in the TTN gene are expected to account for approximately 25% of familial and 18% of sporadic idiopathic DCM; however, truncating variants in the TTN gene have been reported in approximately 3% of reported control alleles. There has been little investigation into non-truncating variants. (Herman D et al. Truncations of titin causing dilated cardiomyopathy. N Eng J Med 366:619-628, 2012) The variant is found in CARDIOMYOPATHY panel(s).

CHEO Genetics Diagnostic Laboratory, Children's Hospital of Eastern Ontario
Classification: Uncertain significance for Cardiomyopathy. Last evaluated: 2016-09-07. Review status: criteria provided, single submitter. Criteria: ACMG Guidelines, 2015. Collection method: clinical testing. Allele origin: germline. Study: Canadian Open Genetics Repository.

Laboratory for Molecular Medicine, Mass General Brigham Personalized Medicine
Classification: Uncertain significance. Last evaluated: 2015-07-07. Review status: criteria provided, single submitter. Criteria: LMM Criteria. Collection method: clinical testing. Allele origin: germline. Observed: 1 variant allele.
Comment: The p.Arg19360Trp variant in TTN has not been previously reported in individuals with cardiomyopathy, but has been identified in 1/9492 African chromosomes and 2/64022 European chromosomes by the Exome Aggregation Consortium (ExAC; dbSNP rs371856109). Computational prediction tools and c onservation analysis do not provide strong support for or against an impact to t he protein. In summary, the clinical significance of the p.Arg19360Trp variant i s uncertain.

Literature cited by the submitters: PubMed 31983221 (cited by Women's Health and Genetics/Laboratory Corporation of America, LabCorp).